The following is an entry in ClinVar:

ClinVar aggregate classification (germline): Likely benign. Review status: criteria provided, single submitter (1 of 4 stars). 2 submissions from 2 submitters: Likely benign (1). 1 of the submissions does not count toward it. Last evaluated 2017-10-19.

Conditions:
HDLBP-related disorder. Also called: HDLBP-related condition.

Allele frequency attached by ClinVar (database versions not stated): ESP Exome Variant Server 0.00085; 1000 Genomes Project 30x 0.00094; 1000 Genomes Project 0.00100; TOPMed 0.00124; gnomAD 0.00126 and 0.00129.

Submissions (2):

Labcorp Genetics (formerly Invitae), Labcorp
Classification: Likely benign. Last evaluated: 2017-10-19. Review status: criteria provided, single submitter. Criteria: Invitae Variant Classification Sherloc (09022015). Collection method: clinical testing. Allele origin: germline.

PreventionGenetics, part of Exact Sciences
Classification: Likely benign for HDLBP-related condition. Last evaluated: 2023-04-24. Review status: no assertion criteria provided. Collection method: clinical testing. Allele origin: germline. Not counted in ClinVar's aggregate classification.
Comment: This variant is classified as likely benign based on ACMG/AMP sequence variant interpretation guidelines (Richards et al. 2015 PMID: 25741868, with internal and published modifications).

NM_005336.6(HDLBP):c.685G>A (p.Val229Ile)

Gene: HDLBP (high density lipoprotein binding protein; minus strand). Cytogenetic location: 2q37.3.
Variant type: single nucleotide variant.
Coding change: c.685G>A on transcript NM_005336.6 (MANE Select); coding-DNA position 685, G replaced by A.
Protein change: p.Val229Ile; replaces valine 229 with isoleucine.
Molecular consequence: missense variant.
Genome position (GRCh38, 1-based): chr2:241,256,372, C>T on the plus strand (G>A on the coding strand, the complement: HDLBP is on the minus strand). VCF-style: chr2-241256372-C-T. GRCh37 (hg19) VCF-style: chr2-242195787-C-T.
Other names: c.793G>A, p.Val265Ile (NM_001243900.3); c.685G>A, p.Val229Ile (NM_001320965.3, NM_001320966.3, NM_001320967.3 and 1 more transcripts); c.685G>A (NM_001320966.1); short protein forms V265I, V229I.
Identifiers: ClinVar variation 711877 (VCV000711877.5), dbSNP rs7572799, ClinGen allele CA2216876.